The following is an entry in ClinVar:

ClinVar aggregate classification (germline): Likely benign. Review status: criteria provided, multiple submitters, no conflicts (2 of 4 stars). 3 submissions from 3 submitters: Likely benign (2). 1 of the submissions does not count toward it. Last evaluated 2025-07-13.

Conditions:
Hereditary cancer-predisposing syndrome. Also called: Hereditary Cancer Syndrome; Hereditary neoplastic syndrome; Neoplastic Syndromes, Hereditary; Tumor predisposition. Identifiers: Orphanet 140162, MedGen C0027672, MeSH D009386, MONDO:0015356.

Submissions (3):

Ambry Genetics
Classification: Likely benign for Hereditary cancer-predisposing syndrome. Last evaluated: 2025-07-13. Review status: criteria provided, single submitter. Criteria: Ambry Variant Classification Scheme 2023. Collection method: clinical testing. Allele origin: germline.

GeneDx
Classification: Likely benign. Last evaluated: 2018-04-20. Review status: criteria provided, single submitter. Criteria: GeneDx Variant Classification (06012015). Collection method: clinical testing. Allele origin: germline. Affected: yes.
Comment: This variant is considered likely benign or benign based on one or more of the following criteria: it is a conservative change, it occurs at a poorly conserved position in the protein, it is predicted to be benign by multiple in silico algorithms, and/or has population frequency not consistent with disease.

Department of Pathology and Laboratory Medicine, Sinai Health System
Classification: Likely benign. Review status: no assertion criteria provided. Collection method: clinical testing. Allele origin: unknown. Affected: yes. Study: The Canadian Open Genetics Repository (COGR). Not counted in ClinVar's aggregate classification.
Comment: The BRCA2 p.Lys1191Lys variant was not identified in the literature nor was it identified in the dbSNP, NHLBI Exome Sequencing Project (Exome Variant Server), HGMD, LOVD, COSMIC, UMD, ClinVar and the BIC databases. The p.Lys1191Lys variant is not expected to have clinical significance because it does not result in a change of amino acid and is not located in a known consensus splice site. In addition, in silico or computational prediction software programs (SpliceSiteFinder, MaxEntScan, NNSPLICE, GeneSplicer, HumanSpliceFinder) do not predict a difference in splicing. In summary, based on the above information, the clinical significance of this variant cannot be determined with certainty at this time although we would lean towards a more benign role for this variant. This variant is classified as predicted benign.

NM_000059.4(BRCA2):c.3573G>A (p.Lys1191=)

Gene: BRCA2 (BRCA2 DNA repair associated; plus strand). Cytogenetic location: 13q13.1.
Variant type: single nucleotide variant.
Coding change: c.3573G>A on transcript NM_000059.4 (MANE Select); coding-DNA position 3573, G replaced by A.
Protein change: p.Lys1191=; no amino-acid change (lysine 1191 retained).
Molecular consequence: synonymous variant.
Genome position (GRCh38, 1-based): chr13:32,337,928, G>A. VCF-style: chr13-32337928-G-A. GRCh37 (hg19) VCF-style: chr13-32912065-G-A.
Identifiers: ClinVar variation 433779 (VCV000433779.4), dbSNP rs1555283294, ClinGen allele CA483437624.